The following is an entry in ClinVar:

ClinVar aggregate classification (germline): Uncertain significance (1 of 4 stars; one submission).

Conditions:
Catecholaminergic polymorphic ventricular tachycardia (CVPT). Also called: Catecholamine-induced polymorphic ventricular tachycardia. Identifiers: Orphanet 3286, MedGen C5574922, MONDO:0017990.

Submission:

All of Us Research Program, National Institutes of Health
Classification: Uncertain significance for Catecholaminergic polymorphic ventricular tachycardia. Last evaluated: 2023-11-20. Review status: criteria provided, single submitter. Criteria: ACMG Guidelines, 2015. Collection method: clinical testing. Allele origin: germline. Inheritance: Autosomal dominant inheritance. Observed: 1 variant allele, 1 heterozygote.
Comment: This variant causes an A to C nucleotide substitution at the +3 position of intron 18 of the RYR2 gene. To our knowledge, functional studies have not been reported for this variant. This variant has not been reported in individuals affected with RYR2-related disorders in the literature. This variant has not been identified in the general population by the Genome Aggregation Database (gnomAD). The available evidence is insufficient to determine the role of this variant in disease conclusively. Therefore, this variant is classified as a Variant of Uncertain Significance.

This study involves interpretation of variants in research participants for the purpose of population health screening. Participant phenotype was not available at the time of variant classification. Additional details can be found in publication PMID: 35346344, PMCID: PMC8962531

NM_001035.3(RYR2):c.1827+3A>C

Gene: RYR2 (ryanodine receptor 2; plus strand). Cytogenetic location: 1q43.
Variant type: single nucleotide variant.
Coding change: c.1827+3A>C on transcript NM_001035.3 (MANE Select); 3 bases into the intron after coding-DNA position 1827, A replaced by C.
Molecular consequence: intron variant.
Genome position (GRCh38, 1-based): chr1:237,491,927, A>C. VCF-style: chr1-237491927-A-C. GRCh37 (hg19) VCF-style: chr1-237655227-A-C.
Identifiers: ClinVar variation 3074556 (VCV003074556.1), dbSNP rs2529113943, ClinGen allele CA2825000928.